The following is an entry in ClinVar:

NM_001918.5(DBT):c.1430T>G (p.Met477Arg)

Gene: DBT (dihydrolipoamide branched chain transacylase E2; minus strand). Cytogenetic location: 1p21.2.
Variant type: single nucleotide variant.
Coding change: c.1430T>G on transcript NM_001918.5 (MANE Select); coding-DNA position 1430, T replaced by G.
Protein change: p.Met477Arg; replaces methionine 477 with arginine.
Molecular consequence: missense variant.
Genome position (GRCh38, 1-based): chr1:100,196,274, A>C on the plus strand (T>G on the coding strand, the complement: DBT is on the minus strand). VCF-style: chr1-100196274-A-C. GRCh37 (hg19) VCF-style: chr1-100661830-A-C.
Other names: short protein forms M477R.
Identifiers: ClinVar variation 93994 (VCV000093994.18), dbSNP rs398123662, ClinGen allele CA221880.
Genomic context (GRCh38, chr1:100,196,274, plus strand): 5'-TCTTTGGAAGCTCAAAAAGTTCAAGAATGTCTTATCAGTCTTCATTTCAGATCTAGTAGC[A>C]TAAAAGCTGGGTTTTCTAAATAGGATTTCCACAAATTGGAGAAGCGTGACATTGTAGCAC-3'
Protein context (NP_001909.4, residues 467-482): WKSYLENPAF[Met477Arg]LLDLK

ClinVar aggregate classification (germline): Conflicting classifications of pathogenicity. Review status: criteria provided, conflicting classifications (1 of 4 stars). 5 submissions from 5 submitters: Pathogenic (1); Likely pathogenic (2); Uncertain significance (2). Last evaluated 2026-01-12.

Conditions:
Maple syrup urine disease type 2 (MSUD2). Also called: Maple syrup urine disease, type II. Identifiers: MedGen C1855371, MONDO:0023693, OMIM 620699.
Maple syrup urine disease (MSUD). Identifiers: Orphanet 511, MedGen C0024776, MeSH D008375, MONDO:0009563. Disease mechanism: loss of function.

Allele frequency attached by ClinVar (database versions not stated): gnomAD exomes below 0.00001; gnomAD 0.00001; TOPMed 0.00001.
gnomAD v4.1: 5 of 1,613,900 alleles (0.00031%); highest among the groups gnomAD compares: Middle Eastern, 0.049%; no homozygotes.

Submissions (5):

Labcorp Genetics (formerly Invitae), Labcorp
Classification: Pathogenic for Maple syrup urine disease. Last evaluated: 2026-01-12. Review status: criteria provided, single submitter. Criteria: Invitae Variant Classification Sherloc (09022015). Collection method: clinical testing. Allele origin: germline.
Comment: This sequence change replaces methionine, which is neutral and non-polar, with arginine, which is basic and polar, at codon 477 of the DBT protein (p.Met477Arg). This variant is present in population databases (rs398123662, gnomAD 0.0009%). This missense change has been observed in individual(s) with maple syrup urine disease and clinical signs and symptoms of maple syrup urine disease (PMID: 20307994; internal data). ClinVar contains an entry for this variant (Variation ID: 93994). Invitae Evidence Modeling of protein sequence and biophysical properties (such as structural, functional, and spatial information, amino acid conservation, physicochemical variation, residue mobility, and thermodynamic stability) indicates that this missense variant is expected to disrupt DBT protein function with a positive predictive value of 95%. For these reasons, this variant has been classified as Pathogenic.

Myriad Genetics, Inc.
Classification: Uncertain significance for Maple syrup urine disease type 2. Last evaluated: 2025-10-16. Review status: criteria provided, single submitter. Criteria: Myriad Autosomal Dominant, Autosomal Recessive and X-Linked Classification Criteria (2023). Collection method: clinical testing. Allele origin: unknown.
Comment: NM_001918.3(DBT):c.1430T>G(M477R) is a missense variant classified as a variant of uncertain significance in the context of maple syrup urine disease type II. M477R has been observed in cases with relevant disease (PMID: 20307994, 27896100). Relevant functional assessments of this variant are not available in the literature. M477R has been observed in referenced population frequency databases. In summary, there is insufficient evidence to classify NM_001918.3(DBT):c.1430T>G(M477R) as pathogenic or benign. Please note: this variant was assessed in the context of healthy population screening.

Baylor Genetics
Classification: Likely pathogenic for Maple syrup urine disease type 1A. Last evaluated: 2023-05-13. Review status: criteria provided, single submitter. Criteria: ACMG Guidelines, 2015. Collection method: clinical testing. Allele origin: unknown.

Genome-Nilou Lab
Classification: Likely pathogenic for Maple syrup urine disease type 1A. Last evaluated: 2021-11-07. Review status: criteria provided, single submitter. Criteria: ACMG Guidelines, 2015. Collection method: clinical testing. Allele origin: germline. Affected: no.

Eurofins Ntd Llc (ga)
Classification: Uncertain significance. Last evaluated: 2013-09-04. Review status: criteria provided, single submitter. Criteria: EGL Classification Definitions 2015. Collection method: clinical testing. Allele origin: germline. Observed: 2 variant alleles, 1 heterozygote, 1 homozygote.

Literature cited by the submitters: PubMed 20307994 (cited by Labcorp Genetics (formerly Invitae), Labcorp and Myriad Genetics, Inc.); PubMed 27896100 (cited by Myriad Genetics, Inc.).